The following is an entry in ClinVar:

NM_001365999.1(SZT2):c.5444C>A (p.Thr1815Asn)

Gene: SZT2 (SZT2 subunit of KICSTOR complex; plus strand). Cytogenetic location: 1p34.2.
Variant type: single nucleotide variant.
Coding change: c.5444C>A on transcript NM_001365999.1 (MANE Select); coding-DNA position 5444, C replaced by A.
Protein change: p.Thr1815Asn; replaces threonine 1815 with asparagine.
Molecular consequence: missense variant.
Genome position (GRCh38, 1-based): chr1:43,432,518, C>A. VCF-style: chr1-43432518-C-A. GRCh37 (hg19) VCF-style: chr1-43898189-C-A.
Other names: c.5273C>A, p.Thr1758Asn (NM_015284.4); short protein forms T1815N, T1758N.
Identifiers: ClinVar variation 838450 (VCV000838450.9), dbSNP rs1343926147, ClinGen allele CA340025278.

ClinVar aggregate classification (germline): Uncertain significance (1 of 4 stars; one submission).

Allele frequency attached by ClinVar (database versions not stated): gnomAD exomes 0.00001; TOPMed 0.00001.
gnomAD v4.1: 3 of 1,604,558 alleles (0.00019%); highest among the groups gnomAD compares: Admixed American, 0.0034%; no homozygotes.

Submission:

Labcorp Genetics (formerly Invitae), Labcorp
Classification: Uncertain significance. Last evaluated: 2025-11-06. Review status: criteria provided, single submitter. Criteria: Invitae Variant Classification Sherloc (09022015). Collection method: clinical testing. Allele origin: germline.
Comment: This sequence change replaces threonine, which is neutral and polar, with asparagine, which is neutral and polar, at codon 1758 of the SZT2 protein (p.Thr1758Asn). The frequency data for this variant in the population databases is considered unreliable, as metrics indicate poor data quality at this position in the gnomAD database. This variant has not been reported in the literature in individuals affected with SZT2-related conditions. ClinVar contains an entry for this variant (Variation ID: 838450). An algorithm developed to predict the effect of missense changes on protein structure and function (PolyPhen-2) suggests that this variant is likely to be tolerated. In summary, the available evidence is currently insufficient to determine the role of this variant in disease. Therefore, it has been classified as a Variant of Uncertain Significance.